The following is an entry in ClinVar:

ClinVar aggregate classification (germline): Uncertain significance (1 of 4 stars; one submission).

Conditions:
Inborn genetic diseases. Identifiers: MedGen C0950123, MeSH D030342.

Submission:

Ambry Genetics
Classification: Uncertain significance for Inborn genetic diseases. Last evaluated: 2021-11-03. Review status: criteria provided, single submitter. Criteria: Ambry Variant Classification Scheme 2023. Collection method: clinical testing. Allele origin: germline.
Comment: The c.1183-42_1188del48 alteration is located in between Intron 11 (E) and Exon 12 of the KPTN gene. This alteration consists of a deletion of 48 nucleotides between nucleotide positions c.1183-42 and c.1188-42 between Intron 11 (E) and Exon 12. Based on insufficient or conflicting evidence, the clinical significance of this alteration remains unclear.

NM_007059.4(KPTN):c.1183-42_1188del

Gene: KPTN (kaptin, actin binding protein; minus strand). Cytogenetic location: 19q13.32.
Variant type: Deletion.
Coding change: c.1183-42_1188del on transcript NM_007059.4 (MANE Select); 42 bases into the intron before coding-DNA position 1183 through coding-DNA position 1188, 48 bases deleted.
Molecular consequence: splice acceptor variant.
Genome position (GRCh38, 1-based): chr19:47,475,539-47,475,586, 48 bases deleted; deleting any 48 consecutive bases within chr19:47,475,539-47,475,592 gives the same sequence; the c. name uses the placement nearest the transcript's 3' end. GRCh37 (hg19): chr19:47,978,802-47,978,849.
Other names: c.1015-42_1020del (NM_001291296.2).
Identifiers: ClinVar variation 2251579 (VCV002251579.2), dbSNP rs1967634906, ClinGen allele CA996482338.